The following is an entry in ClinVar:

ClinVar aggregate classification (germline): Uncertain significance (1 of 4 stars; one submission).

Conditions:
Early Myoclonic Encephalopathy. Identifiers: MedGen C0270855.

Submission:

Labcorp Genetics (formerly Invitae), Labcorp
Classification: Uncertain significance for Early Myoclonic Encephalopathy. Last evaluated: 2023-04-27. Review status: criteria provided, single submitter. Criteria: Invitae Variant Classification Sherloc (09022015). Collection method: clinical testing. Allele origin: germline.
Comment: This sequence change replaces serine, which is neutral and polar, with lysine, which is basic and polar, at codon 447 of the KCND2 protein (p.Ser447Lys). Information on the frequency of this variant in the gnomAD database is not available, as this variant may be reported differently in the database. This variant has not been reported in the literature in individuals affected with KCND2-related conditions. An algorithm developed to predict the effect of missense changes on protein structure and function (PolyPhen-2) suggests that this variant is likely to be tolerated. In summary, the available evidence is currently insufficient to determine the role of this variant in disease. Therefore, it has been classified as a Variant of Uncertain Significance.

NM_012281.3(KCND2):c.1340_1341delinsAA (p.Ser447Lys)

Gene: KCND2 (potassium voltage-gated channel subfamily D member 2; plus strand). Cytogenetic location: 7q31.31.
Variant type: Indel.
Coding change: c.1340_1341delinsAA on transcript NM_012281.3 (MANE Select); coding-DNA positions 1340 to 1341, GC replaced by AA.
Protein change: p.Ser447Lys; replaces serine 447 with lysine.
Molecular consequence: missense variant.
Genome position (GRCh38, 1-based): chr7:120,741,595-120,741,596, GC replaced by AA. VCF-style: chr7-120741595-GC-AA. GRCh37 (hg19) VCF-style: chr7-120381649-GC-AA.
Other names: short protein forms S447K.
Identifiers: ClinVar variation 2848341 (VCV002848341.3), dbSNP rs2485207161, ClinGen allele CA2739278100.
Genomic context (GRCh38, chr7:120,741,595, plus strand): 5'-AAGCTAGACTGGCCAGGATCCGGGCAGCCAAAAGCGGAAGCGCAAATGCTTACATGCAGA[GC>AA]AAACGGAATGGTTTACTCAGTAATCAGCTGCAGGTACAATCAATTACATCTCTTTTTTTA-3'
Protein context (NP_036413.1, residues 437-457): KSGSANAYMQ[Ser447Lys]KRNGLLSNQL